The following is an entry in ClinVar:

NM_000090.4(COL3A1):c.1510-14C>A

Genes: COL3A1 (collagen type III alpha 1 chain; plus strand), MIR3606 (microRNA 3606; plus strand). Cytogenetic location: 2q32.2.
Variant type: single nucleotide variant.
Coding change: c.1510-14C>A on transcript NM_000090.4 (MANE Select); 14 bases into the intron before coding-DNA position 1510, C replaced by A.
Molecular consequence: intron variant. On other transcripts: non-coding transcript variant (1).
Genome position (GRCh38, 1-based): chr2:188,995,678, C>A. VCF-style: chr2-188995678-C-A. GRCh37 (hg19) VCF-style: chr2-189860404-C-A.
Identifiers: ClinVar variation 3070298 (VCV003070298.3), dbSNP rs1688290254, ClinGen allele CA430309680.

ClinVar aggregate classification (germline): Likely benign. Review status: criteria provided, multiple submitters, no conflicts (2 of 4 stars). 2 submissions from 2 submitters: Likely benign (2). Last evaluated 2025-08-17.

Conditions:
Ehlers-Danlos syndrome, type 4 (EDSVASC). Also called: Ehlers-Danlos Syndrome Type IV; Ehlers-Danlos syndrome vascular type; Ehlers Danlos syndrome, ecchymotic type; Ehlers Danlos syndrome, arterial type; Ehlers Danlos syndrome, Sack-Barabas type. Identifiers: Orphanet 286, MedGen C0268338, MONDO:0017314, OMIM 130050.

Allele frequency attached by ClinVar (database versions not stated): gnomAD exomes 0.00001; TOPMed 0.00001.
gnomAD v4.1: 7 of 1,541,052 alleles (0.00045%); highest among the groups gnomAD compares: African/African-American, 0.0014%; no homozygotes.

Submissions (2):

Labcorp Genetics (formerly Invitae), Labcorp
Classification: Likely benign for Ehlers-Danlos syndrome, type 4. Last evaluated: 2025-08-17. Review status: criteria provided, single submitter. Criteria: Invitae Variant Classification Sherloc (09022015). Collection method: clinical testing. Allele origin: germline.

All of Us Research Program, National Institutes of Health
Classification: Likely benign for Ehlers-Danlos syndrome, type 4. Last evaluated: 2024-05-30. Review status: criteria provided, single submitter. Criteria: ACMG Guidelines, 2015. Collection method: clinical testing. Allele origin: germline. Inheritance: Autosomal dominant inheritance. Observed: 3 variant alleles, 3 heterozygotes.
Comment: This study involves interpretation of variants in research participants for the purpose of population health screening. Participant phenotype was not available at the time of variant classification. Additional details can be found in publication PMID: 35346344, PMCID: PMC8962531